The following is an entry in ClinVar:

NM_001184.4(ATR):c.2723A>G (p.Tyr908Cys)

Gene: ATR (ATR checkpoint kinase; minus strand). Cytogenetic location: 3q23.
Variant type: single nucleotide variant.
Coding change: c.2723A>G on transcript NM_001184.4 (MANE Select); coding-DNA position 2723, A replaced by G.
Protein change: p.Tyr908Cys; replaces tyrosine 908 with cysteine.
Molecular consequence: missense variant.
Genome position (GRCh38, 1-based): chr3:142,553,309, T>C on the plus strand (A>G on the coding strand, the complement: ATR is on the minus strand). VCF-style: chr3-142553309-T-C. GRCh37 (hg19) VCF-style: chr3-142272151-T-C.
Other names: c.2531A>G, p.Tyr844Cys (NM_001354579.2); short protein forms Y908C, Y844C.
Identifiers: ClinVar variation 3630863 (VCV003630863.2).

ClinVar aggregate classification (germline): Uncertain significance (1 of 4 stars; one submission).

gnomAD v4.1: 7 of 1,614,038 alleles (0.00043%); highest among the groups gnomAD compares: Non-Finnish European, 0.00059%; no homozygotes.

Submission:

Labcorp Genetics (formerly Invitae), Labcorp
Classification: Uncertain significance. Last evaluated: 2024-05-15. Review status: criteria provided, single submitter. Criteria: Invitae Variant Classification Sherloc (09022015). Collection method: clinical testing. Allele origin: germline.
Comment: This sequence change replaces tyrosine, which is neutral and polar, with cysteine, which is neutral and slightly polar, at codon 908 of the ATR protein (p.Tyr908Cys). This variant is present in population databases (rs747746814, gnomAD 0.0009%). This variant has not been reported in the literature in individuals affected with ATR-related conditions. An algorithm developed to predict the effect of missense changes on protein structure and function (PolyPhen-2) suggests that this variant is likely to be disruptive. In summary, the available evidence is currently insufficient to determine the role of this variant in disease. Therefore, it has been classified as a Variant of Uncertain Significance.